The following is an entry in ClinVar:

ClinVar aggregate classification (germline): Likely benign (1 of 4 stars; one submission).

Allele frequency attached by ClinVar (database versions not stated): 1000 Genomes Project 0.00040; 1000 Genomes Project 30x 0.00047; ESP Exome Variant Server 0.00093.

Submission:

CeGaT Center for Human Genetics Tuebingen
Classification: Likely benign. Last evaluated: 2022-07-01. Review status: criteria provided, single submitter. Criteria: CeGaT Center For Human Genetics Tuebingen Variant Classification Criteria Version 2. Collection method: clinical testing. Allele origin: germline. Affected: yes. Observed: 1 variant allele.
Comment: KLHL30: BP4, BP7

NM_198582.4(KLHL30):c.229C>A (p.Arg77=)

Gene: KLHL30 (kelch like family member 30; plus strand). Cytogenetic location: 2q37.3.
Variant type: single nucleotide variant.
Coding change: c.229C>A on transcript NM_198582.4 (MANE Select); coding-DNA position 229, C replaced by A.
Protein change: p.Arg77=; no amino-acid change (arginine 77 retained).
Molecular consequence: synonymous variant.
Genome position (GRCh38, 1-based): chr2:238,140,983, C>A. VCF-style: chr2-238140983-C-A. GRCh37 (hg19) VCF-style: chr2-239049624-C-A.
Identifiers: ClinVar variation 2652061 (VCV002652061.24), dbSNP rs375615704, ClinGen allele CA2195309.